The following is an entry in ClinVar:

NM_152222.2(RELT):c.1080A>C (p.Thr360=)

Gene: RELT (RELT TNF receptor; plus strand). Cytogenetic location: 11q13.4.
Variant type: single nucleotide variant.
Coding change: c.1080A>C on transcript NM_152222.2 (MANE Select); coding-DNA position 1080, A replaced by C.
Protein change: p.Thr360=; no amino-acid change (threonine 360 retained).
Molecular consequence: synonymous variant.
Genome position (GRCh38, 1-based): chr11:73,395,120, A>C. VCF-style: chr11-73395120-A-C. GRCh37 (hg19) VCF-style: chr11-73106165-A-C.
Other names: c.1080A>C, p.Thr360= (NM_032871.4, NM_001425250.1); c.822A>C, p.Thr274= (NM_001425253.1, NM_001425252.1); c.1104A>C, p.Thr368= (NM_001425248.1); c.1077A>C, p.Thr359= (NM_001425249.1); c.1032A>C, p.Thr344= (NM_001425251.1).
Identifiers: ClinVar variation 3039748 (VCV003039748.2), dbSNP rs78364097, ClinGen allele CA6178876.

ClinVar aggregate classification (germline): Benign (0 of 4 stars; one submission).

Conditions:
RELT-related disorder. Also called: RELT-related condition.

Allele frequency attached by ClinVar (database versions not stated): ESP Exome Variant Server 0.00031; TOPMed 0.00097; gnomAD exomes 0.00170; gnomAD 0.00206; ExAC 0.00270; 1000 Genomes Project 30x 0.00375; 1000 Genomes Project 0.00419.
gnomAD v4.1: 2,752 of 1,613,654 alleles (0.17%); highest among the groups gnomAD compares: East Asian, 3.1%; 46 homozygotes.

Submission:

PreventionGenetics, part of Exact Sciences
Classification: Benign for RELT-related condition. Last evaluated: 2019-11-16. Review status: no assertion criteria provided. Collection method: clinical testing. Allele origin: germline.
Comment: This variant is classified as benign based on ACMG/AMP sequence variant interpretation guidelines (Richards et al. 2015 PMID: 25741868, with internal and published modifications).